The following is an entry in ClinVar:

NM_000092.5(COL4A4):c.2392G>A (p.Gly798Ser)

Gene: COL4A4 (collagen type IV alpha 4 chain; minus strand). Cytogenetic location: 2q36.3.
Variant type: single nucleotide variant.
Coding change: c.2392G>A on transcript NM_000092.5 (MANE Select); coding-DNA position 2392, G replaced by A.
Protein change: p.Gly798Ser; replaces glycine 798 with serine.
Molecular consequence: missense variant.
Genome position (GRCh38, 1-based): chr2:227,057,592, C>T on the plus strand (G>A on the coding strand, the complement: COL4A4 is on the minus strand). VCF-style: chr2-227057592-C-T. GRCh37 (hg19) VCF-style: chr2-227922308-C-T.
Other names: short protein forms G798S.
Identifiers: ClinVar variation 895988 (VCV000895988.11), dbSNP rs760803228, ClinGen allele CA66586498.

ClinVar aggregate classification (germline): Conflicting classifications of pathogenicity. Review status: criteria provided, conflicting classifications (1 of 4 stars). 7 submissions from 7 submitters: Likely pathogenic (6); Uncertain significance (1). Last evaluated 2026-10-14.

Conditions:
Hematuria, benign familial, 1 (BFH1). Also called: THIN MEMBRANE NEPHROPATHY. Identifiers: MedGen CN376803, MONDO:0007709, OMIM 141200.
COL4A4-related disorder.
Alport syndrome. Also called: Hemorrhagic familial nephritis; Hemorrhagic hereditary nephritis; Congenital hereditary hematuria. Identifiers: Orphanet 63, MedGen C1567741, MONDO:0018965.
Autosomal recessive Alport syndrome (ATS2). Also called: COL4A3-Related Nephropathy; COL4A4 Alport Syndrome and Thin Basement Membrane Nephropathy; Alport syndrome type 2; ALPORT SYNDROME 2, AUTOSOMAL RECESSIVE. Identifiers: Orphanet 63, Orphanet 88919, MedGen C4746745, MONDO:0008762, OMIM 203780.

Allele frequency attached by ClinVar (database versions not stated): TOPMed 0.00002; gnomAD exomes 0.00003 and 0.00001.
gnomAD v4.1: 50 of 1,614,096 alleles (0.0031%); highest among the groups gnomAD compares: Non-Finnish European, 0.004%; no homozygotes.

Submissions (7):

GeneDx
Classification: Likely pathogenic. Last evaluated: 2026-10-14. Review status: criteria provided, single submitter. Criteria: GeneDx Variant Classification Process June 2021. Collection method: clinical testing. Allele origin: germline.
Comment: Affects a glycine residue in a Gly-X-Y motif in the triple helical region of the COL4A4 gene, where the majority of pathogenic missense variants occur, and is predicted to disrupt normal protein folding and function (HGMD; PMID: 10752524); Not observed at significant frequency in large population cohorts (gnomAD); In silico analysis supports that this missense variant has a deleterious effect on protein structure/function; Has not been previously published as pathogenic or benign to our knowledge; This variant is associated with the following publications: (PMID: 10752524, 34400539)

Variantyx, Inc.
Classification: Likely pathogenic for Hematuria, benign familial, 1. Last evaluated: 2025-09-15. Review status: criteria provided, single submitter. Criteria: Variantyx Assertion Criteria 2022. Collection method: clinical testing. Allele origin: germline. Inheritance: Autosomal dominant inheritance. Affected: yes.
Comment: This is a nonsynonymous variant in the COL4A4 gene (OMIM: 120131). Pathogenic variants in this gene have been associated with autosomal dominant benign familial hematuria 1. This variant lies within a known hotspot for pathogenic variants or a well-established critical functional domain of the COL4A4 protein (PMID: 31306228) (PM1_Strong), and multiple computational algorithms predict a deleterious effect for this variant (REVEL score: 0.954) (PP3). This variant has a 0.0042% maximum allele frequency in non-founder control populations (PM2). Based on the current evidence, this variant is classified as likely pathogenic for autosomal dominant benign familial hematuria 1.

Natera, Inc.
Classification: Likely pathogenic for Alport syndrome. Last evaluated: 2025-09-03. Review status: criteria provided, single submitter. Criteria: Natera Variant Classification Schema (03/2026). Collection method: clinical testing. Allele origin: germline.
Comment: The c.2392G>A variant in COL4A4 is a missense variant predicted to cause substitution of glycine to serine at amino acid 798. This variant is rare in the general population with a frequency below the threshold expected for the associated phenotype(s). This variant is located in a functionally critical region of the protein. Computational prediction algorithms indicate this variant is likely to affect gene or protein function. Given the available evidence, this variant is classified as Likely Pathogenic.

PreventionGenetics, part of Exact Sciences
Classification: Likely pathogenic for COL4A4-related condition. Last evaluated: 2025-02-13. Review status: criteria provided, single submitter. Criteria: ACMG Guidelines, 2015. Collection method: clinical testing. Allele origin: germline.
Comment: The COL4A4 c.2392G>A variant is predicted to result in the amino acid substitution p.Gly798Ser. To our knowledge, this variant has not been reported in the literature. This variant affects a glycine (Gly) residue of the conserved triple helical domain (residues 65 – 1459) of the COL4A4 protein, where substitutions of the glycine (Gly) residue are usually pathogenic (Hudson et al. 1993. PubMed ID: 8253711). Other substitutions of Gly in this exon (29) have been reported in association with COL4A4-related nephropathy (Bullich et al. 2018. PubMed ID: 29801666; Horinouchi et al. 2020. PubMed ID: 35369551; Wang et al. 2017. PubMed ID: 28476686). In addition, substitutions of glycine (Gly) with serine (Ser) at other glycine residues within this domain have been widely reported to be pathogenic for autosomal recessive or dominant COL4A4-related nephropathy (see for example, p.Gly1242Ser in Zhang et al. 2021. PubMed ID: 33772369, autosomal recessive Alport syndrome; p.Gly1201Ser in Fig. 4a of Mochizuki et al. 1994. PubMed ID: 7987396, autosomal recessive Alport syndrome; p.Gly748Ser in Papazachariou et al. 2017. PubMed ID: 28632965, autosomal dominant familial microscopic hematuria; p.Gly481Ser in Frasca et al. 2005. PubMed ID: 15618242, autosomal dominant familial microscopic hematuria). Taken together, this variant is interpreted as likely pathogenic.

Fulgent Genetics
Classification: Likely pathogenic for Hematuria, benign familial, 1; Autosomal recessive Alport syndrome. Last evaluated: 2024-04-26. Review status: criteria provided, single submitter. Criteria: ACMG Guidelines, 2015. Collection method: clinical testing. Allele origin: germline.

Victorian Clinical Genetics Services, Murdoch Childrens Research Institute
Classification: Likely pathogenic for Alport syndrome. Last evaluated: 2023-07-17. Review status: criteria provided, single submitter. Criteria: ACMG Guidelines, 2015. Collection method: clinical testing. Allele origin: germline. Affected: yes.
Comment: Based on the classification scheme VCGS_Germline_v1.3.4, this variant is classified as likely pathogenic. Following criteria are met: 0103 - Loss of function is a known mechanism of disease for this gene and is associated with Alport syndrome. Dominant negative is a suspected mechanism of disease for this gene as it is a structural protein (PMIDs: 12028435, 24046192). (I) 0108 - This gene is associated with both recessive and dominant disease. Alport syndrome typically has biallelic inheritance, although rare cases of monoallelic inheritance have been reported (PMID: 28704582). Thin basement membrane nephropathy (TBMN) and focal segmental glomerulosclerosis (FSGS) are associated with autosomal dominant inheritance (OMIM, PMIDs: 16467446, 17942953). (I) 0200 - Variant is predicted to result in a missense amino acid change from glycine to serine. (I) 0251 - This variant is heterozygous. (I) 0304 - Variant is present in gnomAD (v2) <0.01 (3 heterozygotes, 0 homozygotes). (SP) 0501 - Missense variant consistently predicted to be damaging by multiple in silico tools or highly conserved with a major amino acid change. (SP) 0601 - Variant is located in the well-established functional glycine change within a G-X-Y repeat (DECIPHER). (SP) 0705 - No comparable missense variants have previous evidence for pathogenicity. (I) 0809 - Previous evidence of pathogenicity for this variant is inconclusive. This variant was observed in a screening of healthy individuals (ClinVar), and has been observed in a cohort who did not have haematuria (PMID: 34400539). (I) 0905 - No published segregation evidence has been identified for this variant. (I) 1007 - No published functional evidence has been identified for this variant. (I) 1208 - Inheritance information for this variant is not currently available in this individual. (I) Legend: (SP) - Supporting pathogenic, (I) - Information, (SB) - Supporting benign

Illumina Laboratory Services, Illumina
Classification: Uncertain significance for Alport syndrome. Last evaluated: 2018-01-13. Review status: criteria provided, single submitter. Criteria: ICSL Variant Classification Criteria 13 December 2019. Collection method: clinical testing. Allele origin: germline.

Literature cited by the submitters: PubMed 31306228 (cited by Variantyx, Inc.); PubMed 12028435 (cited by Victorian Clinical Genetics Services, Murdoch Childrens Research Institute); PubMed 16467446 (cited by Victorian Clinical Genetics Services, Murdoch Childrens Research Institute); PubMed 17942953 (cited by Victorian Clinical Genetics Services, Murdoch Childrens Research Institute); PubMed 24046192 (cited by Victorian Clinical Genetics Services, Murdoch Childrens Research Institute); PubMed 28704582 (cited by Victorian Clinical Genetics Services, Murdoch Childrens Research Institute); PubMed 34400539 (cited by Victorian Clinical Genetics Services, Murdoch Childrens Research Institute).